The following is an entry in ClinVar:

ClinVar aggregate classification (germline): Pathogenic (1 of 4 stars; one submission).

Conditions:
Ehlers-Danlos syndrome, kyphoscoliotic type 1 (EDSKSCL1). Also called: EHLERS-DANLOS SYNDROME, TYPE VIA; PLOD1-Related Kyphoscoliotic Ehlers-Danlos Syndrome; Ehlers-Danlos syndrome, hydroxylysine-deficient; EHLERS-DANLOS SYNDROME, OCULAR-SCOLIOTIC TYPE. Identifiers: Orphanet 1900, MedGen C0268342, MONDO:0016002, OMIM 225400. Disease mechanism: loss of function.

Allele frequency attached by ClinVar (database versions not stated): gnomAD exomes below 0.00001; TOPMed 0.00001.

Submission:

Labcorp Genetics (formerly Invitae), Labcorp
Classification: Pathogenic for Ehlers-Danlos syndrome, kyphoscoliotic type 1. Last evaluated: 2025-07-29. Review status: criteria provided, single submitter. Criteria: Invitae Variant Classification Sherloc (09022015). Collection method: clinical testing. Allele origin: germline.
Comment: This sequence change creates a premature translational stop signal (p.Gln49*) in the PLOD1 gene. It is expected to result in an absent or disrupted protein product. Loss-of-function variants in PLOD1 are known to be pathogenic (PMID: 10874315, 21699693). This variant is not present in population databases (gnomAD no frequency). This premature translational stop signal has been observed in individual(s) with Ehlers-Danlos syndrome (PMID: 10874315). ClinVar contains an entry for this variant (Variation ID: 1073871). For these reasons, this variant has been classified as Pathogenic.

Literature cited by the submitters: PubMed 10874315; PubMed 21699693.

NM_000302.4(PLOD1):c.145C>T (p.Gln49Ter)

Gene: PLOD1 (procollagen-lysine,2-oxoglutarate 5-dioxygenase 1; plus strand). Cytogenetic location: 1p36.22.
Variant type: single nucleotide variant.
Coding change: c.145C>T on transcript NM_000302.4 (MANE Select); coding-DNA position 145, C replaced by T.
Protein change: p.Gln49Ter; replaces glutamine 49 with a stop codon.
Molecular consequence: nonsense.
Genome position (GRCh38, 1-based): chr1:11,948,044, C>T. VCF-style: chr1-11948044-C-T. GRCh37 (hg19) VCF-style: chr1-12008101-C-T.
Other names: c.286C>T, p.Gln96Ter (NM_001316320.2); short protein forms Q49*, Q96*.
Identifiers: ClinVar variation 1073871 (VCV001073871.9), dbSNP rs1189324317, ClinGen allele CA338425798.